The following is an entry in ClinVar:

NM_022552.5(DNMT3A):c.2711C>T (p.Pro904Leu)

Gene: DNMT3A (DNA methyltransferase 3 alpha; minus strand). Cytogenetic location: 2p23.3.
Variant type: single nucleotide variant.
Coding change: c.2711C>T on transcript NM_022552.5 (MANE Select); coding-DNA position 2711, C replaced by T.
Protein change: p.Pro904Leu; replaces proline 904 with leucine.
Molecular consequence: missense variant. On other transcripts: non-coding transcript variant (1).
Genome position (GRCh38, 1-based): chr2:25,234,307, G>A on the plus strand (C>T on the coding strand, the complement: DNMT3A is on the minus strand). VCF-style: chr2-25234307-G-A. GRCh37 (hg19) VCF-style: chr2-25457176-G-A.
Other names: c.2711C>T (NM_175629.1); c.2711C>T, p.Pro904Leu (NM_175629.2); c.2255C>T, p.Pro752Leu (NM_001320893.1); c.2042C>T, p.Pro681Leu (NM_001375819.1); c.2144C>T, p.Pro715Leu (NM_153759.3); short protein forms P715L, P904L, P752L, P681L.
Identifiers: ClinVar variation 372798 (VCV000372798.46), dbSNP rs149095705, ClinGen allele CA1555464.

ClinVar aggregate classification (germline): Pathogenic/Likely pathogenic. Review status: criteria provided, multiple submitters, no conflicts (2 of 4 stars). 7 submissions from 7 submitters: Pathogenic (5); Likely pathogenic (1). 1 of the submissions does not count toward it. Last evaluated 2026-01-08.

Conditions:
Tatton-Brown-Rahman overgrowth syndrome. Also called: Tall stature-intellectual disability-facial dysmorphism syndrome; Tatton-Brown-Rahman syndrome. Identifiers: Orphanet 404443, MedGen C4014545, MONDO:0014382, OMIM 615879.
Autism spectrum disorder. Also called: Autism spectrum disorders. Identifiers: MedGen C1510586, MeSH D000067877, MONDO:0005258.
DNMT3A-related disorder. Also called: DNMT3A-related disorders; DNMT3A-related condition.
EBV-positive nodal T- and NK-cell lymphoma.
Inborn genetic diseases. Identifiers: MedGen C0950123, MeSH D030342.

Allele frequency attached by ClinVar (database versions not stated): gnomAD 0.00006; ESP Exome Variant Server 0.00023.
gnomAD v4.1: 61 of 1,613,504 alleles (0.0038%); highest among the groups gnomAD compares: Middle Eastern, 0.017%; no homozygotes.

Submissions (7):

3billion
Classification: Pathogenic for Tatton-Brown-Rahman overgrowth syndrome. Last evaluated: 2026-01-08. Review status: criteria provided, single submitter. Criteria: ACMG Guidelines, 2015. Collection method: clinical testing. Allele origin: germline. Affected: yes.
Comment: The variant is observed at an allele frequency greater than expected for the associated disorder in the gnomAD v4.1.0 dataset. However, this gene shows evidence of clonal hematopoiesis of indeterminate potential (CHIP) and most individuals carrying this variant have skewed allele balance, suggesting mosaicism from CHIP. Predicted Consequence/Location: Missense variant In silico tool predictions suggest damaging effect of the variant on gene or gene product [REVEL: 0.94 (>=0.6, sensitivity 0.68 and specificity 0.92). The same nucleotide change resulting in the same amino acid change has been previously reported as pathogenic/likely pathogenic with strong evidence (ClinVar ID: VCV000372798 /PMID: 24614070). The variant has been previously reported as de novo in a similarly affected individual (PMID: 24614070). A different missense change at the same codon (p.Pro904Ser) has been reported to be associated with DNMT3A-related disorder (ClinVar ID: VCV000635110). Therefore, this variant is classified as Pathogenic according to the recommendation of ACMG/AMP guideline.

Ambry Genetics
Classification: Pathogenic for Inborn genetic diseases. Last evaluated: 2025-08-07. Review status: criteria provided, single submitter. Criteria: Ambry Variant Classification Scheme 2023. Collection method: clinical testing. Allele origin: germline.
Comment: The c.2711C>T (p.P904L) alteration is located in exon 23 (coding exon 22) of the DNMT3A gene. This alteration results from a C to T substitution at nucleotide position 2711, causing the proline (P) at amino acid position 904 to be replaced by a leucine (L). for Tatton-Brown-Rahman syndrome; however, its clinical significance for Heyn-Sproul-Jackson syndrome is uncertain. The Genome Aggregation Database (gnomAD) data for this variant is unreliable due to technical and/or biological issues, therefore population frequency estimates were not considered. This variant was determined to be de novo in at least one individual with features consistent with Tatton-Brown-Rahman syndrome (Iossifov, 2014; Tatton-Brown, 2017; Tatton-Brown, 2018; Balci, 2020). This amino acid position is highly conserved in available vertebrate species. In an assay testing DNMT3A function, this variant showed a functionally abnormal result (Sandoval, 2019). This alteration is predicted to be deleterious by in silico analysis. Based on the available evidence, this alteration is classified as pathogenic.

PreventionGenetics, part of Exact Sciences
Classification: Pathogenic for DNMT3A-related condition. Last evaluated: 2025-01-30. Review status: criteria provided, single submitter. Criteria: ACMG Guidelines, 2015. Collection method: clinical testing. Allele origin: germline.
Comment: The DNMT3A c.2711C>T variant is predicted to result in the amino acid substitution p.Pro904Leu. This variant has been reported in many patients with Tatton-Brown-Rahman syndrome and occurred de novo in the patient (for example, Tatton-Brown et al. 2014. PubMed ID: 24614070; Balci et al. 2020. PubMed ID: 31961069; Trost et al. 2022. PubMed ID: 36368308). At PreventionGenetics, we have also observed this variant to occur de novo in two unrelated patients with neurodevelopmental phenotypes. This variant is reported in 0.0070% of alleles in individuals of European (Non-Finnish) descent in gnomAD. This variant is interpreted as pathogenic.

Clinical Genetics Laboratory, CHRU Nancy
Classification: Pathogenic for Tatton-Brown-Rahman overgrowth syndrome. Last evaluated: 2024-03-24. Review status: criteria provided, single submitter. Criteria: ACMG Guidelines, 2015. Collection method: clinical testing. Allele origin: germline. Affected: yes.

CeGaT Center for Human Genetics Tuebingen
Classification: Pathogenic. Last evaluated: 2018-11-01. Review status: criteria provided, single submitter. Criteria: CeGaT Center For Human Genetics Tuebingen Variant Classification Criteria Version 2. Collection method: clinical testing. Allele origin: germline. Affected: yes. Observed: 2 variant alleles.

GeneDx
Classification: Likely pathogenic. Last evaluated: 2016-04-05. Review status: criteria provided, single submitter. Criteria: GeneDx Variant Classification (06012015). Collection method: clinical testing. Allele origin: germline. Affected: yes.
Comment: The P904L variant in the DNMT3A gene has been reported previously as a de novo variant in a patient with overgrowth and moderate intellectual disability (Tatton-Brown et al., 2014). The P904L variant was not observed with any significant frequency in approximately 6500 individuals of European and African American ancestry in the NHLBI Exome Sequencing Project, indicating it is not a common benign variant in these populations. The P904L variant is a semi-conservative amino acid substitution, which may impact secondary protein structure as these residues differ in some properties. This substitution occurs at a conserved position within the C-terminal DNA methyltransferase domain (Tatton-Brown et al., 2014). Additionally, in silico analysis predicts this variant is probably damaging to the protein structure/function. The P904L variant is a strong candidate for a pathogenic variant.

Department of Clinical Pathology, School of Medicine, Fujita Health University
Classification: Pathogenic for EBV-positive nodal T- and NK-cell lymphoma. Review status: no assertion criteria provided. Collection method: research. Allele origin: somatic. Affected: yes. Not counted in ClinVar's aggregate classification.

Literature cited by the submitters: PubMed 24614070 (cited by 3billion); PubMed 25363768 (cited by Ambry Genetics); PubMed 28475857 (cited by Ambry Genetics); PubMed 29900417 (cited by Ambry Genetics); PubMed 30705090 (cited by Ambry Genetics); PubMed 31961069 (cited by Ambry Genetics).